The following is an entry in ClinVar:

NM_006231.4(POLE):c.3406del (p.Arg1136fs)

Gene: POLE (DNA polymerase epsilon, catalytic subunit; minus strand). Cytogenetic location: 12q24.33.
Variant type: Deletion.
Coding change: c.3406del on transcript NM_006231.4 (MANE Select); coding-DNA position 3406, one base deleted (C; older notation c.3406delC).
Protein change: p.Arg1136fs; shifts the reading frame from arginine 1136.
Molecular consequence: frameshift variant.
Genome position (GRCh38, 1-based): chr12:132,657,402, G deleted on the plus strand (C on the coding strand, the reverse complement: POLE is on the minus strand). VCF-style (leftmost placement, unchanged base first): chr12-132657401-CG-C. GRCh37 (hg19) VCF-style: chr12-133233987-CG-C.
Other names: short protein forms R1136fs.
Identifiers: ClinVar variation 3696344 (VCV003696344.2).

ClinVar aggregate classification (germline): Pathogenic (1 of 4 stars; one submission).

Submission:

Labcorp Genetics (formerly Invitae), Labcorp
Classification: Pathogenic. Last evaluated: 2024-11-27. Review status: criteria provided, single submitter. Criteria: Invitae Variant Classification Sherloc (09022015). Collection method: clinical testing. Allele origin: germline.
Comment: This sequence change creates a premature translational stop signal (p.Arg1136Glyfs*19) in the POLE gene. It is expected to result in an absent or disrupted protein product. Loss-of-function variants in POLE are known to be pathogenic (PMID: 23230001, 25948378, 30503519). This variant is not present in population databases (gnomAD no frequency). This variant has not been reported in the literature in individuals affected with POLE-related conditions. For these reasons, this variant has been classified as Pathogenic.

Literature cited by the submitters: PubMed 23230001; PubMed 25948378; PubMed 30503519.